The following is an entry in ClinVar:

ClinVar aggregate classification (germline): Benign. Review status: criteria provided, multiple submitters, no conflicts (2 of 4 stars). 2 submissions from 2 submitters: Benign (2). Last evaluated 2016-03-28.

Allele frequency attached by ClinVar (database versions not stated): gnomAD 0.00059 and 0.00060; gnomAD exomes 0.00827 and 0.02479; ExAC 0.04011.
gnomAD v4.1: 7,344 of 967,074 alleles (0.76%); highest among the groups gnomAD compares: Non-Finnish European, 0.83%; 6 homozygotes.

Submissions (24):

Laboratory for Molecular Medicine, Mass General Brigham Personalized Medicine
Classification: Benign. Last evaluated: 2016-03-28. Review status: criteria provided, single submitter. Criteria: LMM Criteria. Collection method: clinical testing. Allele origin: germline.
Comment: Variant identified in a genome or exome case(s) and assessed due to predicted null impact of the variant or pathogenic assertions in the literature or databases. Disclaimer: This variant has not undergone full assessment. The following are preliminary notes: Frequency

Breakthrough Genomics
Classification: Benign. Review status: criteria provided, single submitter. Criteria: ACMG Guidelines, 2015. Collection method: not provided. Allele origin: germline. Inheritance: Autosomal recessive inheritance. Affected: yes.

Dr. Peter K. Rogan Lab, Western University
No classification provided (evidence only). Condition: Lung cancer. Review status: no classification provided. Collection method: in vitro. Allele origin: not applicable. Functional consequence: retained intron. Not counted in ClinVar's aggregate classification.

Dr. Peter K. Rogan Lab, Western University
No classification provided (evidence only). Condition: Lung cancer. Review status: no classification provided. Collection method: in vitro. Allele origin: not applicable. Functional consequence: retained intron. Not counted in ClinVar's aggregate classification.

Dr. Peter K. Rogan Lab, Western University
No classification provided (evidence only). Condition: Familial cancer of breast. Review status: no classification provided. Collection method: in vitro. Allele origin: not applicable. Functional consequence: retained intron. Not counted in ClinVar's aggregate classification.

Dr. Peter K. Rogan Lab, Western University
No classification provided (evidence only). Condition: Familial cancer of breast. Review status: no classification provided. Collection method: in vitro. Allele origin: not applicable. Functional consequence: retained intron. Not counted in ClinVar's aggregate classification.

Dr. Peter K. Rogan Lab, Western University
No classification provided (evidence only). Condition: Familial cancer of breast. Review status: no classification provided. Collection method: in vitro. Allele origin: not applicable. Functional consequence: retained intron. Not counted in ClinVar's aggregate classification.

Dr. Peter K. Rogan Lab, Western University
No classification provided (evidence only). Condition: Familial cancer of breast. Review status: no classification provided. Collection method: in vitro. Allele origin: not applicable. Functional consequence: retained intron. Not counted in ClinVar's aggregate classification.

Dr. Peter K. Rogan Lab, Western University
No classification provided (evidence only). Condition: Familial cancer of breast. Review status: no classification provided. Collection method: in vitro. Allele origin: not applicable. Functional consequence: skipped exon. Not counted in ClinVar's aggregate classification.

Dr. Peter K. Rogan Lab, Western University
No classification provided (evidence only). Condition: Familial cancer of breast. Review status: no classification provided. Collection method: in vitro. Allele origin: not applicable. Functional consequence: skipped exon, retained intron. Not counted in ClinVar's aggregate classification.

Dr. Peter K. Rogan Lab, Western University
No classification provided (evidence only). Condition: Familial cancer of breast. Review status: no classification provided. Collection method: in vitro. Allele origin: not applicable. Functional consequence: retained intron. Not counted in ClinVar's aggregate classification.

Dr. Peter K. Rogan Lab, Western University
No classification provided (evidence only). Condition: Familial cancer of breast. Review status: no classification provided. Collection method: in vitro. Allele origin: not applicable. Functional consequence: retained intron. Not counted in ClinVar's aggregate classification.

Dr. Peter K. Rogan Lab, Western University
No classification provided (evidence only). Condition: Familial cancer of breast. Review status: no classification provided. Collection method: in vitro. Allele origin: not applicable. Functional consequence: retained intron. Not counted in ClinVar's aggregate classification.

Dr. Peter K. Rogan Lab, Western University
No classification provided (evidence only). Condition: Acute myeloid leukemia. Review status: no classification provided. Collection method: in vitro. Allele origin: not applicable. Functional consequence: retained intron. Not counted in ClinVar's aggregate classification.

Dr. Peter K. Rogan Lab, Western University
No classification provided (evidence only). Condition: Uterine corpus endometrial carcinoma. Review status: no classification provided. Collection method: in vitro. Allele origin: not applicable. Functional consequence: retained intron. Not counted in ClinVar's aggregate classification.

Dr. Peter K. Rogan Lab, Western University
No classification provided (evidence only). Condition: Malignant lymphoma, large B-cell, diffuse. Review status: no classification provided. Collection method: in vitro. Allele origin: not applicable. Functional consequence: retained intron. Not counted in ClinVar's aggregate classification.

Dr. Peter K. Rogan Lab, Western University
No classification provided (evidence only). Condition: Malignant lymphoma, large B-cell, diffuse. Review status: no classification provided. Collection method: in vitro. Allele origin: not applicable. Functional consequence: retained intron. Not counted in ClinVar's aggregate classification.

Dr. Peter K. Rogan Lab, Western University
No classification provided (evidence only). Condition: Malignant lymphoma, large B-cell, diffuse. Review status: no classification provided. Collection method: in vitro. Allele origin: not applicable. Functional consequence: retained intron. Not counted in ClinVar's aggregate classification.

Dr. Peter K. Rogan Lab, Western University
No classification provided (evidence only). Condition: Malignant lymphoma, large B-cell, diffuse. Review status: no classification provided. Collection method: in vitro. Allele origin: not applicable. Functional consequence: retained intron. Not counted in ClinVar's aggregate classification.

Dr. Peter K. Rogan Lab, Western University
No classification provided (evidence only). Condition: Hepatocellular carcinoma. Review status: no classification provided. Collection method: in vitro. Allele origin: not applicable. Functional consequence: retained intron. Not counted in ClinVar's aggregate classification.

Dr. Peter K. Rogan Lab, Western University
No classification provided (evidence only). Condition: Ovarian serous cystadenocarcinoma. Review status: no classification provided. Collection method: in vitro. Allele origin: not applicable. Functional consequence: retained intron. Not counted in ClinVar's aggregate classification.

Dr. Peter K. Rogan Lab, Western University
No classification provided (evidence only). Condition: Ovarian serous cystadenocarcinoma. Review status: no classification provided. Collection method: in vitro. Allele origin: not applicable. Functional consequence: retained intron. Not counted in ClinVar's aggregate classification.

Dr. Peter K. Rogan Lab, Western University
No classification provided (evidence only). Condition: Nonpapillary renal cell carcinoma. Review status: no classification provided. Collection method: in vitro. Allele origin: not applicable. Functional consequence: retained intron. Not counted in ClinVar's aggregate classification.

Dr. Peter K. Rogan Lab, Western University
No classification provided (evidence only). Condition: Nonpapillary renal cell carcinoma. Review status: no classification provided. Collection method: in vitro. Allele origin: not applicable. Functional consequence: retained intron. Not counted in ClinVar's aggregate classification.

NM_001378.3(DYNC1I2):c.512-16T>G

Gene: DYNC1I2 (dynein cytoplasmic 1 intermediate chain 2; plus strand). Cytogenetic location: 2q31.1.
Variant type: single nucleotide variant.
Coding change: c.512-16T>G on transcript NM_001378.3 (MANE Select); 16 bases into the intron before coding-DNA position 512, T replaced by G.
Molecular consequence: intron variant.
Genome position (GRCh38, 1-based): chr2:171,725,602, T>G. VCF-style: chr2-171725602-T-G. GRCh37 (hg19) VCF-style: chr2-172582112-T-G.
Other names: c.488-16T>G (NM_001271786.2, NM_001271787.2); c.494-16T>G (NM_001320882.2, NM_001378455.1, NM_001320883.2 and 1 more transcripts); c.434-16T>G (NM_001271788.2, NM_001271790.2, NM_001271789.2 and 1 more transcripts); c.512-16T>G (NM_001271785.2).
Identifiers: ClinVar variation 402814 (VCV000402814.6), dbSNP rs3821091, ClinGen allele CA1965618.
Genomic context (GRCh38, chr2:171,725,602, plus strand): 5'-AGCTATTTTCATTAAAATAATTTATTATATCATTCTGTTTTTTTGTTTTTTTGTTTGTTT[T>G]TTTTTTTTTTTTCAGATGAAGAGGAAGATGATGATGTAGTGGCTCCTAAACCACCTATTG-3'